The following is an entry in ClinVar:

ClinVar aggregate classification (germline): Likely pathogenic. Review status: criteria provided, single submitter (1 of 4 stars). 2 submissions from 2 submitters: Likely pathogenic (1). 1 of the submissions does not count toward it. Last evaluated 2023-11-14.

Conditions:
Cataract 21 multiple types. Also called: CATARACT 21, MULTIPLE TYPES, WITH MICROCORNEA; Cataract, congenital, cerulean type, 4; CATARACT 21, MULTIPLE TYPES, WITH OR WITHOUT MICROCORNEA; CATARACT 21, CERULEAN, WITH OR WITHOUT MICROCORNEA. Identifiers: Orphanet 91492, MedGen C1857768, MONDO:0012437, OMIM 610202.

Submissions (2):

Institute of Human Genetics, FAU Erlangen, Friedrich-Alexander-Universität Erlangen-Nürnberg
Classification: Likely pathogenic. Last evaluated: 2023-11-14. Review status: criteria provided, single submitter. Criteria: Hauer et al. (Genet Med. 2018). Collection method: clinical testing. Allele origin: germline. Inheritance: Unknown mechanism. Affected: yes. Observed: 1 variant allele.
Comment: This variant has been identified by standard clinical testing. Selected ACMG criteria: Likely pathogenic (I):PM2;PVS1

Solve-RD Consortium
Classification: Likely pathogenic for Cataract 21 multiple types. Last evaluated: 2022-06-01. Review status: no assertion criteria provided. Collection method: provider interpretation. Allele origin: de novo. Affected: yes. Not counted in ClinVar's aggregate classification.
Comment: Variant confirmed as disease-causing by referring clinical team

Variant identified during reanalysis of unsolved cases by the Solve-RD project. The Solve-RD project has received funding from the European Union’s Horizon 2020 research and innovation programme under grant agreement No 779257.

Literature cited by the submitters: PubMed 39825153 (cited by Solve-RD Consortium).

NM_005360.5(MAF):c.206del (p.Pro69fs)

Gene: MAF (MAF bZIP transcription factor; minus strand). Cytogenetic location: 16q23.2.
Variant type: Deletion.
Coding change: c.206del on transcript NM_005360.5 (MANE Select); coding-DNA position 206, one base deleted (C; older notation c.206delC).
Protein change: p.Pro69fs; shifts the reading frame from proline 69.
Molecular consequence: frameshift variant.
Genome position (GRCh38, 1-based): chr16:79,599,697, G deleted on the plus strand (C on the coding strand, the reverse complement: MAF is on the minus strand); the first of 5 consecutive G bases (chr16:79,599,697-79,599,701); deleting any one gives the same sequence. VCF-style (leftmost placement, unchanged base first): chr16-79599696-AG-A. GRCh37 (hg19) VCF-style: chr16-79633593-AG-A.
Other names: c.206del, p.Pro69fs (NM_001031804.3); short protein forms P69fs.
Identifiers: ClinVar variation 2628089 (VCV002628089.2), dbSNP rs2143816916, ClinGen allele CA2695197686.
Genomic context (GRCh38, chr16:79,599,696, plus strand): 5'-TTCCAGGTGCGCCTTCTGCTCGCTGCCCGAGCCCGGGCTGGGCGCCGAGAAGCTGGGGGA[AG>A]GGGGCACCGAGCTGCACGGCGTGCTCATGGGGGTGGAGGACAGCGAGCCCCCGGCGATGA-3'